The following is an entry in ClinVar:

ClinVar aggregate classification (germline): Uncertain significance. Review status: criteria provided, multiple submitters, no conflicts (2 of 4 stars). 6 submissions from 6 submitters: Uncertain significance (5). 1 of the submissions does not count toward it. Last evaluated 2026-02-01.

Conditions:
RASopathy. Also called: rasopathies; Noonan spectrum disorder. Identifiers: Orphanet 536391, MedGen C5555857, MONDO:0021060.
Noonan syndrome (NS). Also called: Noonan's syndrome. Identifiers: Orphanet 648, MedGen C0028326, MeSH D009634, MONDO:0018997. Disease mechanism: gain of function.
Cardiovascular phenotype. Identifiers: MedGen CN230736.

Allele frequency attached by ClinVar (database versions not stated): gnomAD exomes 0.00001.
gnomAD v4.1: 8 of 1,609,074 alleles (0.0005%); highest among the groups gnomAD compares: African/African-American, 0.0013%; no homozygotes.

Submissions (6):

Labcorp Genetics (formerly Invitae), Labcorp
Classification: Uncertain significance for RASopathy. Last evaluated: 2026-02-01. Review status: criteria provided, single submitter. Criteria: Invitae Variant Classification Sherloc (09022015). Collection method: clinical testing. Allele origin: germline.
Comment: This sequence change replaces glutamic acid, which is acidic and polar, with alanine, which is neutral and non-polar, at codon 903 of the SOS1 protein (p.Glu903Ala). This variant is not present in population databases (gnomAD no frequency). This variant has not been reported in the literature in individuals affected with SOS1-related conditions. ClinVar contains an entry for this variant (Variation ID: 981586). Invitae Evidence Modeling of protein sequence and biophysical properties (such as structural, functional, and spatial information, amino acid conservation, physicochemical variation, residue mobility, and thermodynamic stability) has been performed for this missense variant. However, the output from this modeling did not meet the statistical confidence thresholds required to predict the impact of this variant on SOS1 protein function. In summary, the available evidence is currently insufficient to determine the role of this variant in disease. Therefore, it has been classified as a Variant of Uncertain Significance.

GeneDx
Classification: Uncertain significance. Last evaluated: 2025-04-14. Review status: criteria provided, single submitter. Criteria: GeneDx Variant Classification Process June 2021. Collection method: clinical testing. Allele origin: germline. Affected: yes.
Comment: Not observed at significant frequency in large population cohorts (gnomAD); Missense variants in this gene are a common cause of disease and they are underrepresented in the general population; In silico analysis supports that this missense variant has a deleterious effect on protein structure/function; Has not been previously published as pathogenic or benign to our knowledge

Ambry Genetics
Classification: Uncertain significance for Cardiovascular phenotype. Last evaluated: 2024-10-08. Review status: criteria provided, single submitter. Criteria: Ambry Variant Classification Scheme 2023. Collection method: clinical testing. Allele origin: germline.

Blueprint Genetics
Classification: Uncertain significance. Last evaluated: 2023-05-09. Review status: criteria provided, single submitter. Criteria: ACMG Guidelines, 2015. Collection method: clinical testing. Allele origin: germline.

Women's Health and Genetics/Laboratory Corporation of America, LabCorp
Classification: Uncertain significance. Last evaluated: 2022-11-19. Review status: criteria provided, single submitter. Criteria: LabCorp Variant Classification Summary - May 2015. Collection method: clinical testing. Allele origin: germline.

Service de Génétique Moléculaire, Hôpital Robert Debré
Classification: Uncertain significance for Noonan syndrome. Review status: no assertion criteria provided. Collection method: clinical testing. Allele origin: unknown. Affected: yes. Not counted in ClinVar's aggregate classification.

NM_005633.4(SOS1):c.2708A>C (p.Glu903Ala)

Gene: SOS1 (SOS Ras/Rac guanine nucleotide exchange factor 1; minus strand). Cytogenetic location: 2p22.1.
Variant type: single nucleotide variant.
Coding change: c.2708A>C on transcript NM_005633.4 (MANE Select); coding-DNA position 2708, A replaced by C.
Protein change: p.Glu903Ala; replaces glutamic acid 903 with alanine.
Molecular consequence: missense variant.
Genome position (GRCh38, 1-based): chr2:39,006,495, T>G on the plus strand (A>C on the coding strand, the complement: SOS1 is on the minus strand). VCF-style: chr2-39006495-T-G. GRCh37 (hg19) VCF-style: chr2-39233636-T-G.
Other names: c.2687A>C, p.Glu896Ala (NM_001382394.1); c.2708A>C, p.Glu903Ala (NM_001382395.1); short protein forms E896A, E903A.
Identifiers: ClinVar variation 981586 (VCV000981586.11), dbSNP rs1669286222, ClinGen allele CA346363209.